The following is an entry in ClinVar:

NM_001377.3(DYNC2H1):c.11606_11609del (p.Trp3869fs)

Gene: DYNC2H1 (dynein cytoplasmic 2 heavy chain 1; plus strand). Cytogenetic location: 11q22.3.
Variant type: Deletion.
Coding change: c.11606_11609del on transcript NM_001377.3 (MANE Select); coding-DNA positions 11606 to 11609, 4 bases deleted (GGTT; older notation c.11606_11609delGGTT).
Protein change: p.Trp3869fs; shifts the reading frame from tryptophan 3869.
Molecular consequence: frameshift variant.
Genome position (GRCh38, 1-based): chr11:103,311,990-103,311,993, GGTT deleted; deleting any 4 consecutive bases within chr11:103,311,989-103,311,993 gives the same sequence; the c. name uses the placement nearest the transcript's 3' end. VCF-style (leftmost placement, unchanged base first): chr11-103311988-ATGGT-A. GRCh37 (hg19) VCF-style: chr11-103182717-ATGGT-A.
Other names: c.11627_11630del, p.Trp3876fs (NM_001080463.2); short protein forms W3869fs, W3876fs.
Identifiers: ClinVar variation 4999769 (VCV004999769.1).

ClinVar aggregate classification (germline): Likely pathogenic (1 of 4 stars; one submission).

Conditions:
DYNC2H1-related disorder. Also called: DYNC2H1-related condition; DYNC2H1-related disorders. Identifiers: MedGen CN378770.

Submission:

PreventionGenetics, part of Exact Sciences
Classification: Likely pathogenic for DYNC2H1-related condition. Last evaluated: 2025-06-02. Review status: criteria provided, single submitter. Criteria: ACMG Guidelines, 2015. Collection method: clinical testing. Allele origin: germline.
Comment: The DYNC2H1 c.11627_11630delGGTT variant is predicted to result in a frameshift and premature protein termination (p.Trp3876Phefs*62). To our knowledge, this variant has not been reported in the literature or in a large population database (gnomAD), indicating this variant is rare. Frameshift variants in DYNC2H1 are expected to be pathogenic. This variant is interpreted as likely pathogenic.